The following is an entry in ClinVar:

ClinVar aggregate classification (germline): Uncertain significance (1 of 4 stars; one submission).

Submission:

Labcorp Genetics (formerly Invitae), Labcorp
Classification: Uncertain significance. Last evaluated: 2022-02-22. Review status: criteria provided, single submitter. Criteria: Invitae Variant Classification Sherloc (09022015). Collection method: clinical testing. Allele origin: germline.
Comment: Experimental studies and prediction algorithms are not available or were not evaluated, and the functional significance of this variant is currently unknown. This variant has not been reported in the literature in individuals affected with COL18A1-related conditions. This variant is not present in population databases (gnomAD no frequency). This sequence change replaces proline, which is neutral and non-polar, with serine, which is neutral and polar, at codon 602 of the COL18A1 protein (p.Pro602Ser). In summary, the available evidence is currently insufficient to determine the role of this variant in disease. Therefore, it has been classified as a Variant of Uncertain Significance.

NM_001379500.1(COL18A1):c.1804C>T (p.Pro602Ser)

Gene: COL18A1 (collagen type XVIII alpha 1 chain; plus strand). Cytogenetic location: 21q22.3.
Variant type: single nucleotide variant.
Coding change: c.1804C>T on transcript NM_001379500.1 (MANE Select); coding-DNA position 1804, C replaced by T.
Protein change: p.Pro602Ser; replaces proline 602 with serine.
Molecular consequence: missense variant.
Genome position (GRCh38, 1-based): chr21:45,486,963, C>T. VCF-style: chr21-45486963-C-T. GRCh37 (hg19) VCF-style: chr21-46906877-C-T.
Other names: c.2344C>T, p.Pro782Ser (NM_030582.4); c.3049C>T, p.Pro1017Ser (NM_130444.3); short protein forms P1017S, P602S, P782S.
Identifiers: ClinVar variation 2102030 (VCV002102030.4), dbSNP rs2036135855, ClinGen allele CA410496344.